The following is an entry in ClinVar:

ClinVar aggregate classification (germline): Uncertain significance (1 of 4 stars; one submission).

Conditions:
Cardiovascular phenotype. Identifiers: MedGen CN230736.

Submission:

Ambry Genetics
Classification: Uncertain significance for Cardiovascular phenotype. Last evaluated: 2020-09-23. Review status: criteria provided, single submitter. Criteria: Ambry Variant Classification Scheme 2023. Collection method: clinical testing. Allele origin: germline.
Comment: The p.Q396H variant (also known as c.1188G>T), located in coding exon 10 of the DSP gene, results from a G to T substitution at nucleotide position 1188. The glutamine at codon 396 is replaced by histidine, an amino acid with highly similar properties. This amino acid position is well conserved in available vertebrate species; however, histidine is the reference amino acid in other vertebrate species. In addition, this alteration is predicted to be tolerated by in silico analysis. Since supporting evidence is limited at this time, the clinical significance of this alteration remains unclear.

NM_004415.4(DSP):c.1188G>T (p.Gln396His)

Gene: DSP (desmoplakin; plus strand). Cytogenetic location: 6p24.3.
Variant type: single nucleotide variant.
Coding change: c.1188G>T on transcript NM_004415.4 (MANE Select); coding-DNA position 1188, G replaced by T.
Protein change: p.Gln396His; replaces glutamine 396 with histidine.
Molecular consequence: missense variant.
Genome position (GRCh38, 1-based): chr6:7,567,828, G>T. VCF-style: chr6-7567828-G-T. GRCh37 (hg19) VCF-style: chr6-7568061-G-T.
Other names: c.1188G>T, p.Gln396His (NM_001008844.3, NM_001319034.2, NM_001406591.1); short protein forms Q396H.
Identifiers: ClinVar variation 1744137 (VCV001744137.2), dbSNP rs948119929, ClinGen allele CA133955786.